The following is an entry in ClinVar:

ClinVar aggregate classification (germline): Uncertain significance. Review status: criteria provided, multiple submitters, no conflicts (2 of 4 stars). 2 submissions from 2 submitters: Uncertain significance (2). Last evaluated 2024-08-12.

Conditions:
Intellectual developmental disorder, autosomal dominant 1. Also called: MBD5 Haploinsufficiency; Intellectual disability, autosomal dominant 1. Identifiers: Orphanet 228402, MedGen C1969562, MONDO:0007974, OMIM 156200.
Inborn genetic diseases. Identifiers: MedGen C0950123, MeSH D030342.

Submissions (2):

Ambry Genetics
Classification: Uncertain significance for Inborn genetic diseases. Last evaluated: 2024-08-12. Review status: criteria provided, single submitter. Criteria: Ambry Variant Classification Scheme 2023. Collection method: clinical testing. Allele origin: germline.
Comment: The c.1671G>C (p.L557F) alteration is located in exon 9 (coding exon 4) of the MBD5 gene. This alteration results from a G to C substitution at nucleotide position 1671, causing the leucine (L) at amino acid position 557 to be replaced by a phenylalanine (F). This variant was not reported in population-based cohorts in the Genome Aggregation Database (gnomAD). This amino acid position is well conserved in available vertebrate species. The in silico prediction for this alteration is inconclusive. Based on insufficient or conflicting evidence, the clinical significance of this alteration remains unclear.

Labcorp Genetics (formerly Invitae), Labcorp
Classification: Uncertain significance for Intellectual developmental disorder, autosomal dominant 1. Last evaluated: 2022-05-27. Review status: criteria provided, single submitter. Criteria: Invitae Variant Classification Sherloc (09022015). Collection method: clinical testing. Allele origin: germline.
Comment: In summary, the available evidence is currently insufficient to determine the role of this variant in disease. Therefore, it has been classified as a Variant of Uncertain Significance. Algorithms developed to predict the effect of missense changes on protein structure and function are either unavailable or do not agree on the potential impact of this missense change (SIFT: "Deleterious"; PolyPhen-2: "Possibly Damaging"; Align-GVGD: "Class C15"). This variant has not been reported in the literature in individuals affected with MBD5-related conditions. This variant is not present in population databases (gnomAD no frequency). This sequence change replaces leucine, which is neutral and non-polar, with phenylalanine, which is neutral and non-polar, at codon 557 of the MBD5 protein (p.Leu557Phe).

NM_001378120.1(MBD5):c.1671G>C (p.Leu557Phe)

Gene: MBD5 (methyl-CpG binding domain protein 5; plus strand). Cytogenetic location: 2q23.1.
Variant type: single nucleotide variant.
Coding change: c.1671G>C on transcript NM_001378120.1 (MANE Select); coding-DNA position 1671, G replaced by C.
Protein change: p.Leu557Phe; replaces leucine 557 with phenylalanine.
Molecular consequence: missense variant.
Genome position (GRCh38, 1-based): chr2:148,469,614, G>C. VCF-style: chr2-148469614-G-C. GRCh37 (hg19) VCF-style: chr2-149227183-G-C.
Other names: c.1671G>C (NM_018328.4); c.1671G>C, p.Leu557Phe (NM_018328.5); short protein forms L557F.
Identifiers: ClinVar variation 1999559 (VCV001999559.6), dbSNP rs2469868016, ClinGen allele CA348720179.